The following is an entry in ClinVar:

NM_020988.3(GNAO1):c.397G>C (p.Gly133Arg)

Gene: GNAO1 (G protein subunit alpha o1; plus strand). Cytogenetic location: 16q13.
Variant type: single nucleotide variant.
Coding change: c.397G>C on transcript NM_020988.3 (MANE Select); coding-DNA position 397, G replaced by C.
Protein change: p.Gly133Arg; replaces glycine 133 with arginine.
Molecular consequence: missense variant.
Genome position (GRCh38, 1-based): chr16:56,328,724, G>C. VCF-style: chr16-56328724-G-C. GRCh37 (hg19) VCF-style: chr16-56362636-G-C.
Other names: c.397G>C, p.Gly133Arg (NM_138736.3); short protein forms G133R.
Identifiers: ClinVar variation 663173 (VCV000663173.9), dbSNP rs374115337, ClinGen allele CA395950246.

ClinVar aggregate classification (germline): Uncertain significance (1 of 4 stars; one submission).

Conditions:
Early-infantile DEE. Also called: Early infantile epileptic encephalopathy; Ohtahara syndrome; Early infantile epileptic encephalopathy with suppression bursts. Identifiers: Orphanet 1934, MedGen C0393706, MONDO:0800491.

gnomAD v4.1: 1 of 1,614,208 alleles (0.000062%); highest among the groups gnomAD compares: Admixed American, 0.0017%; no homozygotes.

Submission:

Labcorp Genetics (formerly Invitae), Labcorp
Classification: Uncertain significance for Early-infantile DEE. Last evaluated: 2018-09-24. Review status: criteria provided, single submitter. Criteria: Invitae Variant Classification Sherloc (09022015). Collection method: clinical testing. Allele origin: germline.
Comment: This variant is not present in population databases (ExAC no frequency). In summary, the available evidence is currently insufficient to determine the role of this variant in disease. Therefore, it has been classified as a Variant of Uncertain Significance. Algorithms developed to predict the effect of missense changes on protein structure and function (SIFT, PolyPhen-2, Align-GVGD) all suggest that this variant is likely to be tolerated, but these predictions have not been confirmed by published functional studies and their clinical significance is uncertain. This variant has not been reported in the literature in individuals with GNAO1-related disease. This sequence change replaces glycine with arginine at codon 133 of the GNAO1 protein (p.Gly133Arg). The glycine residue is weakly conserved and there is a moderate physicochemical difference between glycine and arginine.